The following is an entry in ClinVar:

NM_152703.5(SAMD9L):c.1883C>T (p.Thr628Ile)

Gene: SAMD9L (sterile alpha motif domain containing 9 like; minus strand). Cytogenetic location: 7q21.2.
Variant type: single nucleotide variant.
Coding change: c.1883C>T on transcript NM_152703.5 (MANE Select); coding-DNA position 1883, C replaced by T.
Protein change: p.Thr628Ile; replaces threonine 628 with isoleucine.
Molecular consequence: missense variant.
Genome position (GRCh38, 1-based): chr7:93,134,089, G>A on the plus strand (C>T on the coding strand, the complement: SAMD9L is on the minus strand). VCF-style: chr7-93134089-G-A. GRCh37 (hg19) VCF-style: chr7-92763402-G-A.
Other names: c.1883C>T, p.Thr628Ile (NM_001303496.3, NM_001303497.3, NM_001303498.3 and 5 more transcripts); short protein forms T628I.
Identifiers: ClinVar variation 4740439 (VCV004740439.1).
Genomic context (GRCh38, chr7:93,134,089, plus strand): 5'-TTTTTCTCTAGGATAACTGAAGAAGATCCACGGGCGGGCAAAAACCTTCTTGATGACCGA[G>A]TCACCGATTTTAGTTTAAGGATAGTGCTGTTTACCAGTTCTATATTTAAAGTGGAAATAC-3'
Protein context (NP_689916.2, residues 618-638): NSTILKLKSV[Thr628Ile]RSSRRFLPAR

ClinVar aggregate classification (germline): Uncertain significance (1 of 4 stars; one submission).

Submission:

Labcorp Genetics (formerly Invitae), Labcorp
Classification: Uncertain significance. Last evaluated: 2025-03-18. Review status: criteria provided, single submitter. Criteria: Invitae Variant Classification Sherloc (09022015). Collection method: clinical testing. Allele origin: germline.
Comment: This sequence change replaces threonine, which is neutral and polar, with isoleucine, which is neutral and non-polar, at codon 628 of the SAMD9L protein (p.Thr628Ile). This variant is not present in population databases (gnomAD no frequency). This variant has not been reported in the literature in individuals affected with SAMD9L-related conditions. Invitae Evidence Modeling of protein sequence and biophysical properties (such as structural, functional, and spatial information, amino acid conservation, physicochemical variation, residue mobility, and thermodynamic stability) indicates that this missense variant is not expected to disrupt SAMD9L protein function with a negative predictive value of 80%. In summary, the available evidence is currently insufficient to determine the role of this variant in disease. Therefore, it has been classified as a Variant of Uncertain Significance.